The following is an entry in ClinVar:

ClinVar aggregate classification (germline): Uncertain significance. Review status: criteria provided, multiple submitters, no conflicts (2 of 4 stars). 2 submissions from 2 submitters: Uncertain significance (2). Last evaluated 2025-11-09.

Conditions:
Dilated cardiomyopathy 1O (CMD1O). Also called: CARDIOMYOPATHY, DILATED, WITH VENTRICULAR TACHYCARDIA. Identifiers: Orphanet 154, MedGen C1837839, MONDO:0012062, OMIM 608569.

Allele frequency attached by ClinVar (database versions not stated): gnomAD exomes 0.00001; TOPMed below 0.00001; gnomAD 0.00001.
gnomAD v4.1: 6 of 1,613,838 alleles (0.00037%); highest among the groups gnomAD compares: Non-Finnish European, 0.00051%; no homozygotes.

Submissions (2):

Labcorp Genetics (formerly Invitae), Labcorp
Classification: Uncertain significance for Dilated cardiomyopathy 1O. Last evaluated: 2025-11-09. Review status: criteria provided, single submitter. Criteria: Invitae Variant Classification Sherloc (09022015). Collection method: clinical testing. Allele origin: germline.
Comment: This sequence change replaces isoleucine, which is neutral and non-polar, with threonine, which is neutral and polar, at codon 1365 of the ABCC9 protein (p.Ile1365Thr). This variant is not present in population databases (gnomAD no frequency). This variant has not been reported in the literature in individuals affected with ABCC9-related conditions. ClinVar contains an entry for this variant (Variation ID: 1098831). Invitae Evidence Modeling of protein sequence and biophysical properties (such as structural, functional, and spatial information, amino acid conservation, physicochemical variation, residue mobility, and thermodynamic stability) indicates that this missense variant is not expected to disrupt ABCC9 protein function with a negative predictive value of 95%. In summary, the available evidence is currently insufficient to determine the role of this variant in disease. Therefore, it has been classified as a Variant of Uncertain Significance.

Women's Health and Genetics/Laboratory Corporation of America, LabCorp
Classification: Uncertain significance. Last evaluated: 2021-05-03. Review status: criteria provided, single submitter. Criteria: LabCorp Variant Classification Summary - May 2015. Collection method: clinical testing. Allele origin: germline.
Comment: Variant summary: ABCC9 c.4094T>C (p.Ile1365Thr) results in a non-conservative amino acid change located in the AAA+ ATPase domain (IPR003593) of the encoded protein sequence. Three of five in-silico tools predict a benign effect of the variant on protein function. The variant was absent in 251042 control chromosomes (gnomAD). The available data on variant occurrences in the general population are insufficient to allow any conclusion about variant significance. To our knowledge, no occurrence of c.4094T>C in individuals affected with Dilated Cardiomyopathy and no experimental evidence demonstrating its impact on protein function have been reported. No clinical diagnostic laboratories have submitted clinical-significance assessments for this variant to ClinVar after 2014. Based on the evidence outlined above, the variant was classified as uncertain significance.

NM_020297.4(ABCC9):c.4094T>C (p.Ile1365Thr)

Genes: ABCC9 (ATP binding cassette subfamily C member 9; minus strand), KCNJ8-AS1 (KCNJ8 antisense RNA 1; plus strand). Cytogenetic location: 12p12.1.
Variant type: single nucleotide variant.
Coding change: c.4094T>C on transcript NM_020297.4 (MANE Select); coding-DNA position 4094, T replaced by C.
Protein change: p.Ile1365Thr; replaces isoleucine 1365 with threonine.
Molecular consequence: missense variant.
Genome position (GRCh38, 1-based): chr12:21,814,652, A>G on the plus strand (T>C on the coding strand, the complement: ABCC9 is on the minus strand). VCF-style: chr12-21814652-A-G. GRCh37 (hg19) VCF-style: chr12-21967586-A-G.
Other names: c.4094T>C, p.Ile1365Thr (NM_001377273.1, NM_005691.4); c.3227T>C, p.Ile1076Thr (NM_001377274.1); short protein forms I1076T, I1365T.
Identifiers: ClinVar variation 1098831 (VCV001098831.9), dbSNP rs1328493674, ClinGen allele CA384135225.